The following is an entry in ClinVar:

NM_013328.4(PYCR2):c.355C>T (p.Arg119Cys)

Gene: PYCR2 (pyrroline-5-carboxylate reductase 2; minus strand). Cytogenetic location: 1q42.12.
Variant type: single nucleotide variant.
Coding change: c.355C>T on transcript NM_013328.4 (MANE Select); coding-DNA position 355, C replaced by T.
Protein change: p.Arg119Cys; replaces arginine 119 with cysteine.
Molecular consequence: missense variant. On other transcripts: intron variant (1).
Genome position (GRCh38, 1-based): chr1:225,922,043, G>A on the plus strand (C>T on the coding strand, the complement: PYCR2 is on the minus strand). VCF-style: chr1-225922043-G-A. GRCh37 (hg19) VCF-style: chr1-226109743-G-A.
Other names: c.318+161C>T (NM_001271681.2); short protein forms R119C.
Identifiers: ClinVar variation 192393 (VCV000192393.8), dbSNP rs372781135, ClinGen allele CA214570.

ClinVar aggregate classification (germline): Pathogenic/Likely pathogenic. Review status: criteria provided, multiple submitters, no conflicts (2 of 4 stars). 5 submissions from 5 submitters: Pathogenic (1); Likely pathogenic (2). 2 of the submissions do not count toward it. Last evaluated 2026-01-19.

Conditions:
Leukodystrophy, hypomyelinating, 10. Also called: PYCR2-related microcephaly-progressive leukoencephalopathy. Identifiers: Orphanet 481152, MedGen C4225332, MONDO:0014632, OMIM 616420.

Allele frequency attached by ClinVar (database versions not stated): TOPMed 0.00001; gnomAD 0.00003 and 0.00004; gnomAD exomes 0.00003; ExAC 0.00004; ESP Exome Variant Server 0.00008.
gnomAD v4.1: 69 of 1,614,030 alleles (0.0043%); highest among the groups gnomAD compares: Middle Eastern, 0.016%; no homozygotes.

Submissions (5):

3billion
Classification: Pathogenic for Leukodystrophy, hypomyelinating, 10. Last evaluated: 2026-01-19. Review status: criteria provided, single submitter. Criteria: ACMG Guidelines, 2015. Collection method: clinical testing. Allele origin: germline. Affected: yes.
Comment: The variant is observed at an extremely low frequency in the gnomAD v4.1.0 dataset (total allele frequency: 0.004%). Predicted Consequence/Location: Missense variant Functional studies provide moderate evidence of the variant having a damaging effect on the gene or gene product (PMID: 25865492). In silico tool predictions suggest damaging effect of the variant on gene or gene product [REVEL: 0.89 (>=0.6, sensitivity 0.68 and specificity 0.92); 3Cnet: 0.99 (> 0.75, sensitivity 0.96 and precision 0.92)]. The same nucleotide change resulting in the same amino acid change has been previously reported as pathogenic/likely pathogenic with strong evidence (ClinVar ID: VCV000192393 /PMID: 25865492 /3billion dataset). A different missense change at the same codon (p.Arg119His) has been reported as pathogenic/likely pathogenic with strong evidence (ClinVar ID: VCV000429628 /PMID: 34055512). Therefore, this variant is classified as Pathogenic according to the recommendation of ACMG/AMP guideline.

GeneDx
Classification: Likely pathogenic. Last evaluated: 2025-05-22. Review status: criteria provided, single submitter. Criteria: GeneDx Variant Classification Process June 2021. Collection method: clinical testing. Allele origin: germline. Affected: yes.
Comment: Published functional studies demonstrate the variant results in an unstable PYCR2 protein (PMID: 25865492); In silico analysis supports that this missense variant has a deleterious effect on protein structure/function; This variant is associated with the following publications: (PMID: 25865492, 27860360, 30125339, 36548190, 33771508, 26594346, 31918782, 36344539)

Labcorp Genetics (formerly Invitae), Labcorp
Classification: Likely pathogenic. Last evaluated: 2024-02-12. Review status: criteria provided, single submitter. Criteria: Invitae Variant Classification Sherloc (09022015). Collection method: clinical testing. Allele origin: germline.
Comment: This sequence change replaces arginine, which is basic and polar, with cysteine, which is neutral and slightly polar, at codon 119 of the PYCR2 protein (p.Arg119Cys). This variant is present in population databases (rs372781135, gnomAD 0.01%). This missense change has been observed in individuals with clinical features of PYCR2-related conditions (PMID: 25865492, 30125339). It has also been observed to segregate with disease in related individuals. ClinVar contains an entry for this variant (Variation ID: 192393). Advanced modeling of protein sequence and biophysical properties (such as structural, functional, and spatial information, amino acid conservation, physicochemical variation, residue mobility, and thermodynamic stability) performed at Invitae indicates that this missense variant is expected to disrupt PYCR2 protein function with a positive predictive value of 80%. Experimental studies have shown that this missense change affects PYCR2 function (PMID: 25865492, 33771508, 36548190). This variant disrupts the p.Arg119 amino acid residue in PYCR2. Other variant(s) that disrupt this residue have been observed in individuals with PYCR2-related conditions (PMID: 34055512), which suggests that this may be a clinically significant amino acid residue. In summary, the currently available evidence indicates that the variant is pathogenic, but additional data are needed to prove that conclusively. Therefore, this variant has been classified as Likely Pathogenic.

Department of Genetics, Sultan Qaboos University Hospital
Classification: Pathogenic for Leukodystrophy, hypomyelinating, 10. Last evaluated: 2024-06-12. Review status: no assertion criteria provided. Collection method: curation. Allele origin: unknown. Affected: yes. Not counted in ClinVar's aggregate classification.

OMIM
Classification: Pathogenic for LEUKODYSTROPHY, HYPOMYELINATING, 10. Last evaluated: 2015-05-07. Review status: no assertion criteria provided. Collection method: literature only. Allele origin: germline. Not counted in ClinVar's aggregate classification.

Literature cited by the submitters: PubMed 34055512 (cited by 3billion and Labcorp Genetics (formerly Invitae), Labcorp); PubMed 25865492 (cited by 3 submitters); PubMed 30125339 (cited by Labcorp Genetics (formerly Invitae), Labcorp); PubMed 33771508 (cited by Labcorp Genetics (formerly Invitae), Labcorp); PubMed 36548190 (cited by Labcorp Genetics (formerly Invitae), Labcorp).